The following is an entry in ClinVar:

ClinVar aggregate classification (germline): Uncertain significance (1 of 4 stars; one submission).

gnomAD v4.1: 46 of 1,614,056 alleles (0.0028%); highest among the groups gnomAD compares: African/African-American, 0.004%; no homozygotes.

Submission:

Labcorp Genetics (formerly Invitae), Labcorp
Classification: Uncertain significance. Last evaluated: 2025-02-04. Review status: criteria provided, single submitter. Criteria: Invitae Variant Classification Sherloc (09022015). Collection method: clinical testing. Allele origin: germline.
Comment: This sequence change replaces alanine, which is neutral and non-polar, with glycine, which is neutral and non-polar, at codon 1633 of the CNOT1 protein (p.Ala1633Gly). This variant is not present in population databases (gnomAD no frequency). This variant has not been reported in the literature in individuals affected with CNOT1-related conditions. An algorithm developed to predict the effect of missense changes on protein structure and function (PolyPhen-2) suggests that this variant is likely to be tolerated. In summary, the available evidence is currently insufficient to determine the role of this variant in disease. Therefore, it has been classified as a Variant of Uncertain Significance.

NM_016284.5(CNOT1):c.4913C>G (p.Ala1638Gly)

Gene: CNOT1 (CCR4-NOT transcription complex subunit 1; minus strand). Cytogenetic location: 16q21.
Variant type: single nucleotide variant.
Coding change: c.4913C>G on transcript NM_016284.5 (MANE Select); coding-DNA position 4913, C replaced by G.
Protein change: p.Ala1638Gly; replaces alanine 1638 with glycine.
Molecular consequence: missense variant. On other transcripts: non-coding transcript variant (1).
Genome position (GRCh38, 1-based): chr16:58,539,847, G>C on the plus strand (C>G on the coding strand, the complement: CNOT1 is on the minus strand). VCF-style: chr16-58539847-G-C. GRCh37 (hg19) VCF-style: chr16-58573751-G-C.
Other names: c.4898C>G, p.Ala1633Gly (NM_001265612.2); short protein forms A1638G, A1633G.
Identifiers: ClinVar variation 4781950 (VCV004781950.1).